The following is an entry in ClinVar:

NM_006206.6(PDGFRA):c.117G>A (p.Val39=)

Gene: PDGFRA (platelet derived growth factor receptor alpha; plus strand). Cytogenetic location: 4q12.
Variant type: single nucleotide variant.
Coding change: c.117G>A on transcript NM_006206.6 (MANE Select); coding-DNA position 117, G replaced by A.
Protein change: p.Val39=; no amino-acid change (valine 39 retained).
Molecular consequence: synonymous variant.
Genome position (GRCh38, 1-based): chr4:54,261,162, G>A. VCF-style: chr4-54261162-G-A. GRCh37 (hg19) VCF-style: chr4-55127329-G-A.
Other names: c.117G>A (NM_006206.4); c.117G>A, p.Val39= (NM_001347827.2, NM_001347829.2); c.192G>A, p.Val64= (NM_001347828.2); c.156G>A, p.Val52= (NM_001347830.2).
Identifiers: ClinVar variation 1114772 (VCV001114772.11), dbSNP rs1722681244, ClinGen allele CA439408459.
Genomic context (GRCh38, chr4:54,261,162, plus strand): 5'-CCTAATCCTCTGCCAGCTTTCATTACCCTCTATCCTTCCAAATGAAAATGAAAAGGTTGT[G>A]CAGCTGAATTCATCCTTTTCTCTGAGATGCTTTGGGGAGAGTGAAGTGAGCTGGCAGTAC-3'
Protein context (NP_006197.1, residues 29-49): SILPNENEKV[Val39=]QLNSSFSLRC

ClinVar aggregate classification (germline): Benign/Likely benign. Review status: criteria provided, multiple submitters, no conflicts (2 of 4 stars). 3 submissions from 3 submitters: Benign (1); Likely benign (2). Last evaluated 2026-06-16.

Conditions:
Hereditary cancer-predisposing syndrome. Also called: Neoplastic Syndromes, Hereditary; Hereditary Cancer Syndrome; Hereditary neoplastic syndrome; Tumor predisposition. Identifiers: Orphanet 140162, MedGen C0027672, MeSH D009386, MONDO:0015356.
Polyps, multiple and recurrent inflammatory fibroid, gastrointestinal. Identifiers: MedGen C5193005, MONDO:0008285, OMIM 175510.
Gastrointestinal stromal tumor. Also called: Gastrointestinal stroma tumor; Gastrointestinal stromal tumor, somatic. Identifiers: Orphanet 44890, MedGen C0238198, MeSH D046152, MONDO:0011719, OMIM 606764, HP:0100723.

Allele frequency attached by ClinVar (database versions not stated): gnomAD exomes below 0.00001; TOPMed below 0.00001.
gnomAD v4.1: 1 of 1,614,130 alleles (0.000062%); highest among the groups gnomAD compares: Non-Finnish European, 0.000085%; no homozygotes.

Submissions (3):

Myriad Genetics, Inc.
Classification: Benign for Polyps, multiple and recurrent inflammatory fibroid, gastrointestinal. Last evaluated: 2026-06-16. Review status: criteria provided, single submitter. Criteria: Myriad Autosomal Dominant, Autosomal Recessive and X-Linked Classification Criteria (2023). Collection method: clinical testing. Allele origin: unknown.
Comment: This variant is considered benign. This variant is a silent/synonymous amino acid change and it is not expected to impact splicing.

Labcorp Genetics (formerly Invitae), Labcorp
Classification: Likely benign for Gastrointestinal stromal tumor. Last evaluated: 2024-04-15. Review status: criteria provided, single submitter. Criteria: Invitae Variant Classification Sherloc (09022015). Collection method: clinical testing. Allele origin: germline.

Ambry Genetics
Classification: Likely benign for Hereditary cancer-predisposing syndrome. Last evaluated: 2024-03-22. Review status: criteria provided, single submitter. Criteria: Ambry Variant Classification Scheme 2023. Collection method: clinical testing. Allele origin: germline.